The following is an entry in ClinVar:

ClinVar aggregate classification (germline): Uncertain significance. Review status: criteria provided, multiple submitters, no conflicts (2 of 4 stars). 2 submissions from 2 submitters: Uncertain significance (2). Last evaluated 2023-12-01.

Allele frequency attached by ClinVar (database versions not stated): gnomAD below 0.00001 and 0.00003; TOPMed 0.00001; gnomAD exomes 0.00006 and 0.00013; ExAC 0.00033.
gnomAD v4.1: 88 of 1,569,768 alleles (0.0056%); highest among the groups gnomAD compares: South Asian, 0.099%; 2 homozygotes.

Submissions (2):

Women's Health and Genetics/Laboratory Corporation of America, LabCorp
Classification: Uncertain significance. Last evaluated: 2023-12-01. Review status: criteria provided, single submitter. Criteria: LabCorp Variant Classification Summary - May 2015. Collection method: clinical testing. Allele origin: germline.
Comment: Variant summary: CREB3L1 c.1109C>T (p.Thr370Ile) results in a non-conservative amino acid change in the encoded protein sequence. Four of five in-silico tools predict a damaging effect of the variant on protein function. The variant allele was found at a frequency of 0.00013 in 182730 control chromosomes in the gnomAD database, including 1 homozygote. To our knowledge, no occurrence of c.1109C>T in individuals affected with Osteogenesis Imperfecta Type 16 and no experimental evidence demonstrating its impact on protein function have been reported. One submitter has cited a clinical-significance assessment for this variant to ClinVar after 2014 and has classified the variant as uncertain significance. Based on the evidence outlined above, the variant was classified as uncertain significance.

GeneDx
Classification: Uncertain significance. Last evaluated: 2017-06-02. Review status: criteria provided, single submitter. Criteria: GeneDx Variant Classification (06012015). Collection method: clinical testing. Allele origin: germline. Affected: yes.
Comment: The T370I variant in the CREB3L1 gene has not been reported previously as a pathogenic variant, nor as a benign variant, to our knowledge. The T370I variant is observed in 9/8070 (0.1%) alleles from individuals of South Asian background, including 1 homozygous individual in the ExAC dataset (Lek et al., 2016). The T370I variant is a non-conservative amino acid substitution, which is likely to impact secondary protein structure as these residues differ in polarity, charge, size and/or other properties. This substitution occurs at a position that is conserved across species. In silico analysis predicts this variant is probably damaging to the protein structure/function. We interpret T370I as a variant of uncertain significance.

NM_052854.4(CREB3L1):c.1109C>T (p.Thr370Ile)

Gene: CREB3L1 (cAMP responsive element binding protein 3 like 1; plus strand). Cytogenetic location: 11p11.2.
Variant type: single nucleotide variant.
Coding change: c.1109C>T on transcript NM_052854.4 (MANE Select); coding-DNA position 1109, C replaced by T.
Protein change: p.Thr370Ile; replaces threonine 370 with isoleucine.
Molecular consequence: missense variant.
Genome position (GRCh38, 1-based): chr11:46,316,363, C>T. VCF-style: chr11-46316363-C-T. GRCh37 (hg19) VCF-style: chr11-46337914-C-T.
Other names: short protein forms T370I.
Identifiers: ClinVar variation 432322 (VCV000432322.3), dbSNP rs776460030, ClinGen allele CA5961771.
Genomic context (GRCh38, chr11:46,316,363, plus strand): 5'-TGCAGAAACTCCAGACTCTGGTCACCAACAAGATCTCCAGACCTTACAAGATGGCCGCCA[C>T]CCAGACTGGGACCTGCCTCATGGTAGGTGTGGCTCCCTCCACCACAGACCCACAGGAGGA-3'
Protein context (NP_443086.1, residues 360-380): KISRPYKMAA[Thr370Ile]QTGTCLMVAA